The following is an entry in ClinVar:

NM_032444.4(SLX4):c.4049G>A (p.Gly1350Asp)

Gene: SLX4 (SLX4 structure-specific endonuclease subunit; minus strand). Cytogenetic location: 16p13.3.
Variant type: single nucleotide variant.
Coding change: c.4049G>A on transcript NM_032444.4 (MANE Select); coding-DNA position 4049, G replaced by A.
Protein change: p.Gly1350Asp; replaces glycine 1350 with aspartic acid.
Molecular consequence: missense variant.
Genome position (GRCh38, 1-based): chr16:3,589,589, C>T on the plus strand (G>A on the coding strand, the complement: SLX4 is on the minus strand). VCF-style: chr16-3589589-C-T. GRCh37 (hg19) VCF-style: chr16-3639590-C-T.
Other names: short protein forms G1350D.
Identifiers: ClinVar variation 2178713 (VCV002178713.1), dbSNP rs1180463484, ClinGen allele CA394518526.
Genomic context (GRCh38, chr16:3,589,589, plus strand): 5'-CTGAAGTGGGCGCGGTCCCCTGAGATGGGATGTGGAGCCAGCGGAGAGGAGTGCGGGTGG[C>T]CCCCGGGGTGGGGACGGGAAGGGCTTCTGTGGCCTTGCCTTCTGCCGTCAGAAGTTCCTG-3'
Protein context (NP_115820.2, residues 1340-1360): HRSPSRPHPG[Gly1350Asp]HPHSSPLAPH

ClinVar aggregate classification (germline): Uncertain significance (1 of 4 stars; one submission).

Conditions:
Fanconi anemia (FA). Also called: Fanconi's anemia. Identifiers: Orphanet 84, MedGen C0015625, MeSH D005199, MONDO:0019391.

Submission:

Labcorp Genetics (formerly Invitae), Labcorp
Classification: Uncertain significance for Fanconi anemia. Last evaluated: 2022-09-07. Review status: criteria provided, single submitter. Criteria: Invitae Variant Classification Sherloc (09022015). Collection method: clinical testing. Allele origin: germline.
Comment: This sequence change replaces glycine, which is neutral and non-polar, with aspartic acid, which is acidic and polar, at codon 1350 of the SLX4 protein (p.Gly1350Asp). This variant is not present in population databases (gnomAD no frequency). This variant has not been reported in the literature in individuals affected with SLX4-related conditions. Algorithms developed to predict the effect of missense changes on protein structure and function (SIFT, PolyPhen-2, Align-GVGD) all suggest that this variant is likely to be tolerated. In summary, the available evidence is currently insufficient to determine the role of this variant in disease. Therefore, it has been classified as a Variant of Uncertain Significance.